The following is an entry in ClinVar:

NM_003200.5(TCF3):c.1322G>A (p.Gly441Asp)

Gene: TCF3 (transcription factor 3; minus strand). Cytogenetic location: 19p13.3.
Variant type: single nucleotide variant.
Coding change: c.1322G>A on transcript NM_003200.5 (MANE Select); coding-DNA position 1322, G replaced by A.
Protein change: p.Gly441Asp; replaces glycine 441 with aspartic acid.
Molecular consequence: missense variant.
Genome position (GRCh38, 1-based): chr19:1,619,320, C>T on the plus strand (G>A on the coding strand, the complement: TCF3 is on the minus strand). VCF-style: chr19-1619320-C-T. GRCh37 (hg19) VCF-style: chr19-1619319-C-T.
Other names: c.1322G>A, p.Gly441Asp (NM_001136139.4, NM_001351779.2); c.1319G>A, p.Gly440Asp (NM_001351778.2); short protein forms G440D, G441D.
Identifiers: ClinVar variation 2132372 (VCV002132372.4), dbSNP rs1299040259, ClinGen allele CA403052923.

ClinVar aggregate classification (germline): Uncertain significance (1 of 4 stars; one submission).

Submission:

Labcorp Genetics (formerly Invitae), Labcorp
Classification: Uncertain significance. Last evaluated: 2022-04-30. Review status: criteria provided, single submitter. Criteria: Invitae Variant Classification Sherloc (09022015). Collection method: clinical testing. Allele origin: germline.
Comment: In summary, the available evidence is currently insufficient to determine the role of this variant in disease. Therefore, it has been classified as a Variant of Uncertain Significance. Algorithms developed to predict the effect of missense changes on protein structure and function are either unavailable or do not agree on the potential impact of this missense change (SIFT: "Not Available"; PolyPhen-2: "Possibly Damaging"; Align-GVGD: "Not Available"). This variant has not been reported in the literature in individuals affected with TCF3-related conditions. This variant is not present in population databases (gnomAD no frequency). This sequence change replaces glycine, which is neutral and non-polar, with aspartic acid, which is acidic and polar, at codon 441 of the TCF3 protein (p.Gly441Asp).